The following is an entry in ClinVar:

NM_005121.3(MED13):c.1532T>A (p.Ile511Asn)

Gene: MED13 (mediator complex subunit 13; minus strand). Cytogenetic location: 17q23.2.
Variant type: single nucleotide variant.
Coding change: c.1532T>A on transcript NM_005121.3 (MANE Select); coding-DNA position 1532, T replaced by A.
Protein change: p.Ile511Asn; replaces isoleucine 511 with asparagine.
Molecular consequence: missense variant.
Genome position (GRCh38, 1-based): chr17:62,010,985, A>T on the plus strand (T>A on the coding strand, the complement: MED13 is on the minus strand). VCF-style: chr17-62010985-A-T. GRCh37 (hg19) VCF-style: chr17-60088346-A-T.
Other names: short protein forms I511N.
Identifiers: ClinVar variation 5017281 (VCV005017281.1).
Genomic context (GRCh38, chr17:62,010,985, plus strand): 5'-GGTGAATTTGCCATTTCGGTGCCATGCATCTGAGGAGTCTTTGCTACATCATTAGTTCGG[A>T]TATTTGAAAATCTCACTTGACTGTCTGGAGCAGAGATCACAAGTCTTTGGCTGGCTGAAT-3'
Protein context (NP_005112.2, residues 501-521): APDSQVRFSN[Ile511Asn]RTNDVAKTPQ

ClinVar aggregate classification (germline): Uncertain significance (1 of 4 stars; one submission).

Submission:

GeneDx
Classification: Uncertain significance. Last evaluated: 2026-04-01. Review status: criteria provided, single submitter. Criteria: GeneDx Variant Classification Process June 2021. Collection method: clinical testing. Allele origin: germline.
Comment: Not observed at significant frequency in large population cohorts (gnomAD); In silico analysis suggests that this missense variant does not alter protein structure/function; Has not been previously published as pathogenic or benign to our knowledge